The following is an entry in ClinVar:

ClinVar aggregate classification (germline): Likely benign. Review status: criteria provided, single submitter (1 of 4 stars). 2 submissions from 2 submitters: Likely benign (1). 1 of the submissions does not count toward it. Last evaluated 2025-09-02.

Conditions:
DVL3-related disorder. Also called: DVL3-related condition.

Submissions (2):

Labcorp Genetics (formerly Invitae), Labcorp
Classification: Likely benign. Last evaluated: 2025-09-02. Review status: criteria provided, single submitter. Criteria: Invitae Variant Classification Sherloc (09022015). Collection method: clinical testing. Allele origin: germline.

PreventionGenetics, part of Exact Sciences
Classification: Uncertain significance for DVL3-related condition. Last evaluated: 2024-04-08. Review status: no assertion criteria provided. Collection method: clinical testing. Allele origin: germline. Not counted in ClinVar's aggregate classification.
Comment: The DVL3 c.596G>A variant is predicted to result in the amino acid substitution p.Ser199Asn. To our knowledge, this variant has not been reported in the literature or in a large population database, indicating this variant is rare. At this time, the clinical significance of this variant is uncertain due to the absence of conclusive functional and genetic evidence.

NM_004423.4(DVL3):c.596G>A (p.Ser199Asn)

Gene: DVL3 (dishevelled segment polarity protein 3; plus strand). Cytogenetic location: 3q27.1.
Variant type: single nucleotide variant.
Coding change: c.596G>A on transcript NM_004423.4 (MANE Select); coding-DNA position 596, G replaced by A.
Protein change: p.Ser199Asn; replaces serine 199 with asparagine.
Molecular consequence: missense variant.
Genome position (GRCh38, 1-based): chr3:184,164,928, G>A. VCF-style: chr3-184164928-G-A. GRCh37 (hg19) VCF-style: chr3-183882716-G-A.
Other names: short protein forms S199N.
Identifiers: ClinVar variation 3345423 (VCV003345423.2).